The following is an entry in ClinVar:

NM_004006.3(DMD):c.3568C>G (p.Pro1190Ala)

Gene: DMD (dystrophin; minus strand). Cytogenetic location: Xp21.1.
Variant type: single nucleotide variant.
Coding change: c.3568C>G on transcript NM_004006.3 (MANE Select); coding-DNA position 3568, C replaced by G.
Protein change: p.Pro1190Ala; replaces proline 1190 with alanine.
Molecular consequence: missense variant.
Genome position (GRCh38, 1-based): chrX:32,454,697, G>C on the plus strand (C>G on the coding strand, the complement: DMD is on the minus strand). VCF-style: chrX-32454697-G-C. GRCh37 (hg19) VCF-style: chrX-32472814-G-C.
Other names: c.3544C>G, p.Pro1182Ala (NM_000109.4); c.3556C>G, p.Pro1186Ala (NM_004009.3); c.3199C>G, p.Pro1067Ala (NM_004010.3); short protein forms P1182A, P1190A, P1067A, P1186A.
Identifiers: ClinVar variation 3502595 (VCV003502595.1).

ClinVar aggregate classification (germline): Uncertain significance (1 of 4 stars; one submission).

Conditions:
Cardiovascular phenotype. Identifiers: MedGen CN230736.

gnomAD v4.1: 1 of 1,188,600 alleles (0.000084%); highest among the groups gnomAD compares: Non-Finnish European, 0.00011%; no homozygotes.

Submission:

Ambry Genetics
Classification: Uncertain significance for Cardiovascular phenotype. Last evaluated: 2024-10-29. Review status: criteria provided, single submitter. Criteria: Ambry Variant Classification Scheme 2023. Collection method: clinical testing. Allele origin: germline.
Comment: The p.P1190A variant (also known as c.3568C>G), located in coding exon 26 of the DMD gene, results from a C to G substitution at nucleotide position 3568. The proline at codon 1190 is replaced by alanine, an amino acid with highly similar properties. This amino acid position is highly conserved in available vertebrate species. In addition, this alteration is predicted to be tolerated by in silico analysis. Based on the available evidence, the clinical significance of this variant remains unclear.